The following is an entry in ClinVar:

ClinVar aggregate classification (germline): Uncertain significance (1 of 4 stars; one submission).

Submission:

Labcorp Genetics (formerly Invitae), Labcorp
Classification: Uncertain significance. Last evaluated: 2021-04-25. Review status: criteria provided, single submitter. Criteria: Invitae Variant Classification Sherloc (09022015). Collection method: clinical testing. Allele origin: germline.
Comment: In summary, the available evidence is currently insufficient to determine the role of this variant in disease. Therefore, it has been classified as a Variant of Uncertain Significance. Algorithms developed to predict the effect of missense changes on protein structure and function are either unavailable or do not agree on the potential impact of this missense change (SIFT: "Not Available"; PolyPhen-2: "Benign"; Align-GVGD: "Not Available"). This variant has not been reported in the literature in individuals with LCT-related conditions. This variant is not present in population databases (ExAC no frequency). This sequence change replaces tyrosine with histidine at codon 1620 of the LCT protein (p.Tyr1620His). The tyrosine residue is moderately conserved and there is a moderate physicochemical difference between tyrosine and histidine.

NM_002299.4(LCT):c.4858T>C (p.Tyr1620His)

Gene: LCT (lactase; minus strand). Cytogenetic location: 2q21.3.
Variant type: single nucleotide variant.
Coding change: c.4858T>C on transcript NM_002299.4 (MANE Select); coding-DNA position 4858, T replaced by C.
Protein change: p.Tyr1620His; replaces tyrosine 1620 with histidine.
Molecular consequence: missense variant.
Genome position (GRCh38, 1-based): chr2:135,800,615, A>G on the plus strand (T>C on the coding strand, the complement: LCT is on the minus strand). VCF-style: chr2-135800615-A-G. GRCh37 (hg19) VCF-style: chr2-136558185-A-G.
Other names: short protein forms Y1620H.
Identifiers: ClinVar variation 1486234 (VCV001486234.6), dbSNP rs2105525528, ClinGen allele CA348592310.